The following is an entry in ClinVar:

ClinVar aggregate classification (germline): Benign. Review status: criteria provided, multiple submitters, no conflicts (2 of 4 stars). 6 submissions from 6 submitters: Benign (6). Last evaluated 2026-02-03.

Conditions:
Autosomal dominant cerebellar ataxia. Also called: Spinocerebellar Ataxia, Dominant. Identifiers: Orphanet 99, MedGen C4087347, MONDO:0020380.

Allele frequency attached by ClinVar (database versions not stated): gnomAD exomes 0.00090 and 0.00234; ExAC 0.00295; 1000 Genomes Project 0.00739; 1000 Genomes Project 30x 0.00843; gnomAD 0.00972 and 0.01038; TOPMed 0.01070; ESP Exome Variant Server 0.01121.
gnomAD v4.1: 2,904 of 1,613,786 alleles (0.18%); highest among the groups gnomAD compares: African/African-American, 3.2%; 54 homozygotes.

Submissions (6):

Labcorp Genetics (formerly Invitae), Labcorp
Classification: Benign. Last evaluated: 2026-02-03. Review status: criteria provided, single submitter. Criteria: Invitae Variant Classification Sherloc (09022015). Collection method: clinical testing. Allele origin: germline.

Athena Diagnostics
Classification: Benign. Last evaluated: 2024-01-02. Review status: criteria provided, single submitter. Criteria: Athena Diagnostics Criteria. Collection method: clinical testing. Allele origin: unknown.

Mayo Clinic Laboratories, Mayo Clinic
Classification: Benign. Last evaluated: 2023-11-22. Review status: criteria provided, single submitter. Criteria: ACMG Guidelines, 2015. Collection method: clinical testing. Allele origin: germline. Observed: 4 variant alleles.
Comment: BS1, BS2, BP4, BP7

GeneDx
Classification: Benign. Last evaluated: 2020-04-01. Review status: criteria provided, single submitter. Criteria: GeneDx Variant Classification Process June 2021. Collection method: clinical testing. Allele origin: germline. Affected: yes.

Illumina Laboratory Services, Illumina
Classification: Benign for Spinocerebellar Ataxia, Dominant. Last evaluated: 2018-01-13. Review status: criteria provided, single submitter. Criteria: ICSL Variant Classification Criteria 13 December 2019. Collection method: clinical testing. Allele origin: germline.
Comment: This variant was observed in the ICSL laboratory as part of a predisposition screen in an ostensibly healthy population. It had not been previously curated by ICSL or reported in the Human Gene Mutation Database (HGMD: prior to June 1st, 2018), and was therefore a candidate for classification through an automated scoring system. Utilizing variant allele frequency, disease prevalence and penetrance estimates, and inheritance mode, an automated score was calculated to assess if this variant is too frequent to cause the disease. Based on the score and internal cut-off values, a variant classified as benign is not then subjected to further curation. The score for this variant resulted in a classification of benign for this disease.

Breakthrough Genomics
Classification: Benign. Review status: criteria provided, single submitter. Criteria: ACMG Guidelines, 2015. Collection method: not provided. Allele origin: germline. Inheritance: Autosomal dominant inheritance. Affected: yes.

NM_001378452.1(ITPR1):c.5353+4C>T

Gene: ITPR1 (inositol 1,4,5-trisphosphate receptor type 1; plus strand). Cytogenetic location: 3p26.1.
Variant type: single nucleotide variant.
Coding change: c.5353+4C>T on transcript NM_001378452.1 (MANE Select); 4 bases into the intron after coding-DNA position 5353, C replaced by T.
Molecular consequence: intron variant.
Genome position (GRCh38, 1-based): chr3:4,733,224, C>T. VCF-style: chr3-4733224-C-T. GRCh37 (hg19) VCF-style: chr3-4774908-C-T.
Other names: p.?; c.5164+4C>T (NM_002222.6, NM_002222.7); c.5209+4C>T (NM_001099952.4); c.5308+4C>T (NM_001168272.2).
Identifiers: ClinVar variation 345747 (VCV000345747.19), dbSNP rs60849754, ClinGen allele CA2232291.